The following is an entry in ClinVar:

NM_000059.4(BRCA2):c.8548del (p.Glu2850fs)

Gene: BRCA2 (BRCA2 DNA repair associated; plus strand). Cytogenetic location: 13q13.1.
Variant type: Deletion.
Coding change: c.8548del on transcript NM_000059.4 (MANE Select); coding-DNA position 8548, one base deleted (G; older notation c.8548delG).
Protein change: p.Glu2850fs; shifts the reading frame from glutamic acid 2850.
Molecular consequence: frameshift variant.
Genome position (GRCh38, 1-based): chr13:32,371,016, G deleted; the last of 2 consecutive G bases (chr13:32,371,015-32,371,016); deleting either gives the same sequence. VCF-style (leftmost placement, unchanged base first): chr13-32371014-AG-A. GRCh37 (hg19) VCF-style: chr13-32945151-AG-A.
Other names: c.8548delG (NM_000059.3); short protein forms E2850fs.
Identifiers: ClinVar variation 495102 (VCV000495102.4), dbSNP rs1555287766, ClinGen allele CA658683836.

ClinVar aggregate classification (germline): Pathogenic (1 of 4 stars; one submission).

Conditions:
Familial cancer of breast. Also called: Hereditary breast cancer; hereditary breast carcinoma; BREAST CANCER, FAMILIAL. Identifiers: Orphanet 227535, MedGen C0346153, MONDO:0016419, OMIM 114480. Disease mechanism: loss of function.

Submission:

GeneKor MSA
Classification: Pathogenic for Hereditary Breast Carcinoma. Last evaluated: 2020-01-01. Review status: criteria provided, single submitter. Criteria: ACMG Guidelines, 2015. Collection method: clinical testing. Allele origin: germline. Affected: yes.
Comment: This variant is a single base pair deletion from exon 20 of the BRCA2 mRNA, causing a frameshift after codon 2850 and this creates a premature translational stop signal 13 amino acid residues later. This is expected to result in an absent or disrupted protein product. Truncating variants in BRCA2 are known to be pathogenic (PMID: 20104584). This variant has been described in the international literature in an individual undergoing panel testing for hereditary syndrome (PMID: 31159747).